The following is an entry in ClinVar:

ClinVar aggregate classification (germline): Conflicting classifications of pathogenicity. Review status: criteria provided, conflicting classifications (1 of 4 stars). 3 submissions from 3 submitters: Uncertain significance (1); Likely benign (2). Last evaluated 2026-04-03.

Conditions:
Emery-Dreifuss muscular dystrophy 5, autosomal dominant (EDMD5). Also called: EMERY-DREIFUSS MUSCULAR DYSTROPHY 5. Identifiers: Orphanet 261, MedGen C2751805, MONDO:0013072, OMIM 612999.
SYNE2-related disorder. Also called: SYNE2-related condition.

Allele frequency attached by ClinVar (database versions not stated): ExAC 0.00001; TOPMed 0.00001; gnomAD 0.00002; gnomAD exomes 0.00002.
gnomAD v4.1: 30 of 1,613,346 alleles (0.0019%); highest among the groups gnomAD compares: Non-Finnish European, 0.0025%; no homozygotes.

Submissions (3):

PreventionGenetics, part of Exact Sciences
Classification: Likely benign for SYNE2-related condition. Last evaluated: 2026-04-03. Review status: criteria provided, single submitter. Criteria: ACMG Guidelines, 2015. Collection method: clinical testing. Allele origin: germline.
Comment: This variant is classified as likely benign based on ACMG/AMP sequence variant interpretation guidelines (Richards et al. 2015 PMID: 25741868, with internal and published modifications).

Labcorp Genetics (formerly Invitae), Labcorp
Classification: Likely benign for Emery-Dreifuss muscular dystrophy 5, autosomal dominant. Last evaluated: 2022-10-13. Review status: criteria provided, single submitter. Criteria: Invitae Variant Classification Sherloc (09022015). Collection method: clinical testing. Allele origin: germline.

Illumina Laboratory Services, Illumina
Classification: Uncertain significance for Emery-Dreifuss muscular dystrophy 5, autosomal dominant. Last evaluated: 2018-01-12. Review status: criteria provided, single submitter. Criteria: ICSL Variant Classification Criteria 13 December 2019. Collection method: clinical testing. Allele origin: germline.

NM_182914.3(SYNE2):c.8991G>A (p.Gln2997=)

Gene: SYNE2 (spectrin repeat containing nuclear envelope protein 2; plus strand). Cytogenetic location: 14q23.2.
Variant type: single nucleotide variant.
Coding change: c.8991G>A on transcript NM_182914.3 (MANE Select); coding-DNA position 8991, G replaced by A.
Protein change: p.Gln2997=; no amino-acid change (glutamine 2997 retained).
Molecular consequence: synonymous variant.
Genome position (GRCh38, 1-based): chr14:64,052,904, G>A. VCF-style: chr14-64052904-G-A. GRCh37 (hg19) VCF-style: chr14-64519622-G-A.
Other names: c.8991G>A, p.Gln2997= (NM_015180.6).
Identifiers: ClinVar variation 313542 (VCV000313542.11), dbSNP rs773209564, ClinGen allele CA7221199.